The following is an entry in ClinVar:

NM_015722.4(CALY):c.369C>T (p.Ile123=)

Genes: CALY (calcyon neuron specific vesicular protein; minus strand), ZNF511-PRAP1 (ZNF511-PRAP1 readthrough; plus strand). Cytogenetic location: 10q26.3.
Variant type: single nucleotide variant.
Coding change: c.369C>T on transcript NM_015722.4 (MANE Select); coding-DNA position 369, C replaced by T.
Protein change: p.Ile123=; no amino-acid change (isoleucine 123 retained).
Molecular consequence: synonymous variant. On other transcripts: intron variant (1).
Genome position (GRCh38, 1-based): chr10:133,326,112, G>A on the plus strand (C>T on the coding strand, the complement: CALY is on the minus strand). VCF-style: chr10-133326112-G-A. GRCh37 (hg19) VCF-style: chr10-135139616-G-A.
Other names: c.123C>T, p.Ile41= (NM_001321617.2); c.680+14271G>A (NM_001396060.1).
Identifiers: ClinVar variation 2641029 (VCV002641029.24), dbSNP rs759972266, ClinGen allele CA5765063.

ClinVar aggregate classification (germline): Likely benign (1 of 4 stars; one submission).

Allele frequency attached by ClinVar (database versions not stated): TOPMed 0.00006; gnomAD 0.00007; gnomAD exomes 0.00007; ExAC 0.00013.
gnomAD v4.1: 114 of 1,595,960 alleles (0.0071%); highest among the groups gnomAD compares: South Asian, 0.03%; no homozygotes.

Submission:

CeGaT Center for Human Genetics Tuebingen
Classification: Likely benign. Last evaluated: 2022-06-01. Review status: criteria provided, single submitter. Criteria: CeGaT Center For Human Genetics Tuebingen Variant Classification Criteria Version 2. Collection method: clinical testing. Allele origin: germline. Affected: yes. Observed: 1 variant allele.
Comment: CALY: BP4, BP7